The following is an entry in ClinVar:

ClinVar aggregate classification (germline): Uncertain significance (1 of 4 stars; one submission).

Conditions:
Primary ciliary dyskinesia. Also called: Ciliary dyskinesia. Identifiers: Orphanet 244, MedGen C0008780, MONDO:0016575, HP:0012265.

Allele frequency attached by ClinVar (database versions not stated): gnomAD exomes below 0.00001.
gnomAD v4.1: 2 of 1,614,154 alleles (0.00012%); highest among the groups gnomAD compares: Non-Finnish European, 0.00017%; no homozygotes.

Submission:

Labcorp Genetics (formerly Invitae), Labcorp
Classification: Uncertain significance for Primary ciliary dyskinesia. Last evaluated: 2025-04-17. Review status: criteria provided, single submitter. Criteria: Invitae Variant Classification Sherloc (09022015). Collection method: clinical testing. Allele origin: germline.
Comment: This sequence change replaces cysteine, which is neutral and slightly polar, with arginine, which is basic and polar, at codon 226 of the DNAH5 protein (p.Cys226Arg). This variant is not present in population databases (gnomAD no frequency). This variant has not been reported in the literature in individuals affected with DNAH5-related conditions. ClinVar contains an entry for this variant (Variation ID: 2005210). Invitae Evidence Modeling of protein sequence and biophysical properties (such as structural, functional, and spatial information, amino acid conservation, physicochemical variation, residue mobility, and thermodynamic stability) indicates that this missense variant is not expected to disrupt DNAH5 protein function with a negative predictive value of 95%. In summary, the available evidence is currently insufficient to determine the role of this variant in disease. Therefore, it has been classified as a Variant of Uncertain Significance.

NM_001369.3(DNAH5):c.676T>C (p.Cys226Arg)

Gene: DNAH5 (dynein axonemal heavy chain 5; minus strand). Cytogenetic location: 5p15.2.
Variant type: single nucleotide variant.
Coding change: c.676T>C on transcript NM_001369.3 (MANE Select); coding-DNA position 676, T replaced by C.
Protein change: p.Cys226Arg; replaces cysteine 226 with arginine.
Molecular consequence: missense variant.
Genome position (GRCh38, 1-based): chr5:13,920,602, A>G on the plus strand (T>C on the coding strand, the complement: DNAH5 is on the minus strand). VCF-style: chr5-13920602-A-G. GRCh37 (hg19) VCF-style: chr5-13920711-A-G.
Other names: short protein forms C226R.
Identifiers: ClinVar variation 2005210 (VCV002005210.4), dbSNP rs1777146393, ClinGen allele CA359221007.